The following is an entry in ClinVar:

ClinVar aggregate classification (germline): Pathogenic (1 of 4 stars; one submission).

Submission:

Labcorp Genetics (formerly Invitae), Labcorp
Classification: Pathogenic. Last evaluated: 2023-07-31. Review status: criteria provided, single submitter. Criteria: Invitae Variant Classification Sherloc (09022015). Collection method: clinical testing. Allele origin: unknown.
Comment: For these reasons, this variant has been classified as Pathogenic. This variant has not been reported in the literature in individuals affected with MCPH1-related conditions. This variant is a gross deletion of the genomic region encompassing exon(s) 1-10 of the MCPH1 gene, which includes the initiator codon. This deletion extends beyond the assayed region for this gene and therefore may encompass additional genes. It is expected to result in an absent or disrupted protein product. Loss-of-function variants in MCPH1 are known to be pathogenic (PMID: 20978018).

Literature cited by the submitters: PubMed 20978018.

NC_000008.10:g.(?_6264189)_(6335172_?)del

Gene: MCPH1 (microcephalin 1; plus strand). Cytogenetic location: 8p23.1.
Variant type: Deletion.
Identifiers: ClinVar variation 3245595 (VCV003245595.1).